The following is an entry in ClinVar:

ClinVar aggregate classification (germline): Uncertain significance (1 of 4 stars; one submission).

Submission:

Ambry Genetics
Classification: Uncertain significance. Last evaluated: 2022-03-31. Review status: criteria provided, single submitter. Criteria: Ambry Variant Classification Scheme 2023. Collection method: clinical testing. Allele origin: germline.
Comment: The p.A384P variant (also known as c.1150G>C), located in coding exon 6 of the GALNT12 gene, results from a G to C substitution at nucleotide position 1150. The alanine at codon 384 is replaced by proline, an amino acid with highly similar properties. This amino acid position is conserved. In addition, this alteration is predicted to be deleterious by in silico analysis. Since supporting evidence is limited at this time, the clinical significance of this alteration remains unclear.

NM_024642.5(GALNT12):c.1150G>C (p.Ala384Pro)

Gene: GALNT12 (polypeptide N-acetylgalactosaminyltransferase 12; plus strand). Cytogenetic location: 9q22.33.
Variant type: single nucleotide variant.
Coding change: c.1150G>C on transcript NM_024642.5 (MANE Select); coding-DNA position 1150, G replaced by C.
Protein change: p.Ala384Pro; replaces alanine 384 with proline.
Molecular consequence: missense variant.
Genome position (GRCh38, 1-based): chr9:98,837,086, G>C. VCF-style: chr9-98837086-G-C. GRCh37 (hg19) VCF-style: chr9-101599368-G-C.
Other names: short protein forms A384P.
Identifiers: ClinVar variation 1734032 (VCV001734032.2), dbSNP rs1836172217, ClinGen allele CA374219895.